The following is an entry in ClinVar:

NM_017565.4(FAM20A):c.1481_1482dup (p.Leu495fs)

Genes: FAM20A (FAM20A golgi associated secretory pathway pseudokinase; minus strand), PRKAR1A (protein kinase cAMP-dependent type I regulatory subunit alpha; plus strand). Cytogenetic location: 17q24.2.
Variant type: Duplication.
Coding change: c.1481_1482dup on transcript NM_017565.4 (MANE Select); coding-DNA positions 1481 to 1482, 2 bases duplicated (AC; older notation c.1481_1482dupAC).
Protein change: p.Leu495fs; shifts the reading frame from leucine 495.
Molecular consequence: frameshift variant. On other transcripts: non-coding transcript variant (1), intron variant (1).
Genome position (GRCh38, 1-based): chr17:68,537,621-68,537,622, GT duplicated on the plus strand (AC on the coding strand, the reverse complement: FAM20A is on the minus strand); duplicating any 2 consecutive bases within chr17:68,537,621-68,537,623 gives the same sequence; the c. name uses the placement nearest the transcript's 3' end. VCF-style (leftmost placement, unchanged base first): chr17-68537620-G-GGT. GRCh37 (hg19) VCF-style: chr17-66533761-G-GGT.
Other names: c.1481_1482dupAC (NM_017565.4); c.1067_1068dup, p.Leu357fs (NM_001243746.2); c.973+7621_973+7622dup (NM_001276290.1); short protein forms L357fs, L495fs.
Identifiers: ClinVar variation 4845821 (VCV004845821.1).

ClinVar aggregate classification (germline): Pathogenic (1 of 4 stars; one submission).

Conditions:
Amelogenesis imperfecta type 1G (AI1G). Also called: AMELOGENESIS IMPERFECTA, TYPE IG; AMELOGENESIS IMPERFECTA, HYPOPLASTIC, AND NEPHROCALCINOSIS; Amelogenesis imperfecta hypoplastic type, IG; Amelogenesis imperfecta and nephrocalcinosis; ENAMEL-RENAL-GINGIVAL SYNDROME; AMELOGENESIS IMPERFECTA, HYPOPLASTIC, WITH NEPHROCALCINOSIS. Identifiers: Orphanet 1031, Orphanet 171836, MedGen C2931783, MONDO:0008771, OMIM 204690. Disease mechanism: loss of function.

Submission:

First Genomix Gene Laboratory, Genetic Diagnostics Department
Classification: Pathogenic for Amelogenesis imperfecta type 1G. Last evaluated: 2025-03-27. Review status: criteria provided, single submitter. Criteria: ACMG Guidelines, 2015. Collection method: clinical testing. Allele origin: germline. Inheritance: Autosomal recessive inheritance. Affected: no. Observed: 1 variant allele.